The following is an entry in ClinVar:

ClinVar aggregate classification (germline): Conflicting classifications of pathogenicity. Review status: criteria provided, conflicting classifications (1 of 4 stars). 9 submissions from 9 submitters: Likely pathogenic (1); Uncertain significance (6); Likely benign (1). 1 of the submissions does not count toward it. Last evaluated 2026-05-16.

Conditions:
CDKN1B-related disorder. Also called: CDKN1B-related condition.
Ovarian cancer. Also called: OVARIAN CANCER, SOMATIC. Identifiers: Orphanet 213500, MedGen C1140680, MONDO:0008170, OMIM 167000.
Hereditary cancer-predisposing syndrome. Also called: Neoplastic Syndromes, Hereditary; Tumor predisposition; Hereditary Cancer Syndrome; Hereditary neoplastic syndrome. Identifiers: Orphanet 140162, MedGen C0027672, MeSH D009386, MONDO:0015356.
Multiple endocrine neoplasia type 4. Also called: MULTIPLE ENDOCRINE NEOPLASIA, TYPE IV. Identifiers: Orphanet 276152, MedGen C1970712, MONDO:0012552, OMIM 610755.

Allele frequency attached by ClinVar (database versions not stated): gnomAD 0.00003 and 0.00004; TOPMed 0.00003; ExAC 0.00004; gnomAD exomes 0.00004.
gnomAD v4.1: 67 of 1,613,724 alleles (0.0042%); highest among the groups gnomAD compares: Middle Eastern, 0.017%; no homozygotes.

Submissions (9):

PreventionGenetics, part of Exact Sciences
Classification: Uncertain significance for CDKN1B-related condition. Last evaluated: 2026-05-16. Review status: criteria provided, single submitter. Criteria: ACMG Guidelines, 2015. Collection method: clinical testing. Allele origin: germline.
Comment: The CDKN1B c.31C>T variant is predicted to result in the amino acid substitution p.Pro11Ser. This variant was previously reported in an individual with prostate cancer (Cybulski et al. 2007. PubMed ID: 17372254). This variant is reported in 0.0071% of alleles in individuals of European (Non-Finnish) descent in gnomAD, and has conflicting classifications in ClinVar ranging from likely benign to likely pathogenic (Variation ID: 404268). At this time, the clinical significance of this variant is uncertain due to the absence of conclusive functional and genetic evidence.

Dasa
Classification: Uncertain significance for Multiple endocrine neoplasia type 4. Last evaluated: 2026-04-23. Review status: criteria provided, single submitter. Criteria: DASA Assertion Criteria. Collection method: clinical testing. Allele origin: germline.
Comment: NM_004064.5(CDKN1B):c.31C>T (p.Pro11Ser) is a missense variant that results in the substitution of proline with serine. This classification is supported by population frequency inconsistent with a disease-causing role. The currently available literature and clinical evidence are not sufficient to establish a definitive association between this variant and the reported condition. Therefore, this variant is classified as a variant of uncertain significance.

Labcorp Genetics (formerly Invitae), Labcorp
Classification: Uncertain significance for Multiple endocrine neoplasia type 4. Last evaluated: 2025-02-02. Review status: criteria provided, single submitter. Criteria: Invitae Variant Classification Sherloc (09022015). Collection method: clinical testing. Allele origin: germline.
Comment: This sequence change replaces proline, which is neutral and non-polar, with serine, which is neutral and polar, at codon 11 of the CDKN1B protein (p.Pro11Ser). This variant is present in population databases (rs779193240, gnomAD 0.007%). This missense change has been observed in individual(s) with prostate cancer (PMID: 17372254). ClinVar contains an entry for this variant (Variation ID: 404268). An algorithm developed to predict the effect of missense changes on protein structure and function (PolyPhen-2) suggests that this variant is likely to be disruptive. In summary, the available evidence is currently insufficient to determine the role of this variant in disease. Therefore, it has been classified as a Variant of Uncertain Significance.

Quest Diagnostics Nichols Institute San Juan Capistrano
Classification: Uncertain significance. Last evaluated: 2024-10-24. Review status: criteria provided, single submitter. Criteria: Quest Diagnostics criteria. Collection method: clinical testing. Allele origin: unknown.
Comment: The CDKN1B c.31C>T (p.Pro11Ser) variant has been reported in the published literature in an individual affected with prostate cancer (PMID: 17372254 (2007)). The frequency of this variant in the general population, 0.000071 (8/113000 chromosomes (Genome Aggregation Database)), is uninformative in the assessment of its pathogenicity. Analysis of this variant using bioinformatics tools for the prediction of the effect of amino acid changes on protein structure and function yielded conflicting predictions that this variant is benign or damaging. Based on the available information, we are unable to determine the clinical significance of this variant.

Baylor Genetics
Classification: Uncertain significance for Multiple endocrine neoplasia type 4. Last evaluated: 2024-02-06. Review status: criteria provided, single submitter. Criteria: ACMG Guidelines, 2015. Collection method: clinical testing. Allele origin: unknown.

GeneDx
Classification: Uncertain significance. Last evaluated: 2023-08-15. Review status: criteria provided, single submitter. Criteria: GeneDx Variant Classification Process June 2021. Collection method: clinical testing. Allele origin: germline.
Comment: In silico analysis supports that this missense variant has a deleterious effect on protein structure/function; Observed in an individual with prostate cancer (Cybulski et al., 2007); This variant is associated with the following publications: (PMID: 17372254)

Ambry Genetics
Classification: Likely benign for Hereditary cancer-predisposing syndrome. Last evaluated: 2023-01-05. Review status: criteria provided, single submitter. Criteria: Ambry Variant Classification Scheme 2023. Collection method: clinical testing. Allele origin: germline.

Laboratory of Molecular Epidemiology of Birth Defects, West China Second University Hospital, Sichuan University
Classification: Likely pathogenic for Ovarian cancer. Last evaluated: 2022-01-01. Review status: criteria provided, single submitter. Criteria: ACMG Guidelines, 2015. Collection method: clinical testing. Allele origin: germline. Affected: yes.

Zotz-Klimas Genetics Lab, MVZ Zotz Klimas
Classification: Uncertain significance for Multiple endocrine neoplasia type 4. Last evaluated: 2023-10-09. Review status: no assertion criteria provided. Collection method: clinical testing. Allele origin: germline. Affected: yes. Not counted in ClinVar's aggregate classification.

Literature cited by the submitters: PubMed 17372254 (cited by Labcorp Genetics (formerly Invitae), Labcorp and Quest Diagnostics Nichols Institute San Juan Capistrano).

NM_004064.5(CDKN1B):c.31C>T (p.Pro11Ser)

Gene: CDKN1B (cyclin dependent kinase inhibitor 1B; plus strand). Cytogenetic location: 12p13.1.
Variant type: single nucleotide variant.
Coding change: c.31C>T on transcript NM_004064.5 (MANE Select); coding-DNA position 31, C replaced by T.
Protein change: p.Pro11Ser; replaces proline 11 with serine.
Molecular consequence: missense variant.
Genome position (GRCh38, 1-based): chr12:12,717,870, C>T. VCF-style: chr12-12717870-C-T. GRCh37 (hg19) VCF-style: chr12-12870804-C-T.
Other names: short protein forms P11S.
Identifiers: ClinVar variation 404268 (VCV000404268.22), dbSNP rs779193240, ClinGen allele CA6457364.